The following is an entry in ClinVar:

ClinVar aggregate classification (germline): Pathogenic (1 of 4 stars; one submission).

Conditions:
Marfan syndrome (MFS). Also called: MARFAN SYNDROME, TYPE I; Marfan syndrome type 1; Marfan's syndrome; Marfan syndrome, classic; FBN1-Related Marfan Syndrome. Identifiers: Orphanet 284963, Orphanet 558, MedGen C0024796, MONDO:0007947, OMIM 154700.

Submission:

3billion
Classification: Pathogenic for Marfan syndrome. Last evaluated: 2023-08-18. Review status: criteria provided, single submitter. Criteria: ACMG Guidelines, 2015. Collection method: clinical testing. Allele origin: germline. Affected: yes.
Comment: The variant is not observed in the gnomAD v2.1.1 dataset. Predicted Consequence/Location: Canonical splice site: predicted to alter splicing and result in a loss or disruption of normal protein function. Multiple pathogenic loss-of-function variants are reported downstream of the variant. The variant has been reported to be associated with FBN1 related disorder (PMID: 17657824). Therefore, this variant is classified as Pathogenic according to the recommendation of ACMG/AMP guideline.

Literature cited by the submitters: PubMed 17657824.

NM_000138.5(FBN1):c.3209-2A>G

Gene: FBN1 (fibrillin 1; minus strand). Cytogenetic location: 15q21.1.
Variant type: single nucleotide variant.
Coding change: c.3209-2A>G on transcript NM_000138.5 (MANE Select); the canonical splice acceptor site of the intron before coding-DNA position 3209, A replaced by G.
Molecular consequence: splice acceptor variant.
Genome position (GRCh38, 1-based): chr15:48,488,243, T>C on the plus strand (A>G on the coding strand, the complement: FBN1 is on the minus strand). VCF-style: chr15-48488243-T-C. GRCh37 (hg19) VCF-style: chr15-48780440-T-C.
Other names: c.3209-2A>G (NM_001406716.1).
Identifiers: ClinVar variation 3775748 (VCV003775748.1).